The following is an entry in ClinVar:

ClinVar aggregate classification (germline): Likely pathogenic (1 of 4 stars; one submission).

Allele frequency attached by ClinVar (database versions not stated): gnomAD exomes below 0.00001; ExAC 0.00001.
gnomAD v4.1: 4 of 1,613,912 alleles (0.00025%); highest among the groups gnomAD compares: Non-Finnish European, 0.00034%; no homozygotes.

Submission:

Labcorp Genetics (formerly Invitae), Labcorp
Classification: Likely pathogenic. Last evaluated: 2024-02-12. Review status: criteria provided, single submitter. Criteria: Invitae Variant Classification Sherloc (09022015). Collection method: clinical testing. Allele origin: germline.
Comment: This sequence change replaces arginine, which is basic and polar, with cysteine, which is neutral and slightly polar, at codon 2775 of the MYO15A protein (p.Arg2775Cys). This variant is present in population databases (rs770282862, gnomAD 0.0009%). This variant has not been reported in the literature in individuals affected with MYO15A-related conditions. Advanced modeling of protein sequence and biophysical properties (such as structural, functional, and spatial information, amino acid conservation, physicochemical variation, residue mobility, and thermodynamic stability) performed at Invitae indicates that this missense variant is expected to disrupt MYO15A protein function with a positive predictive value of 95%. This variant disrupts the p.Arg2775 amino acid residue in MYO15A. Other variant(s) that disrupt this residue have been determined to be pathogenic (PMID: 23767834, 30953472, 35346193). This suggests that this residue is clinically significant, and that variants that disrupt this residue are likely to be disease-causing. In summary, the currently available evidence indicates that the variant is pathogenic, but additional data are needed to prove that conclusively. Therefore, this variant has been classified as Likely Pathogenic.

Literature cited by the submitters: PubMed 23767834; PubMed 30953472; PubMed 35346193.

NM_016239.4(MYO15A):c.8323C>T (p.Arg2775Cys)

Gene: MYO15A (myosin XVA; plus strand). Cytogenetic location: 17p11.2.
Variant type: single nucleotide variant.
Coding change: c.8323C>T on transcript NM_016239.4 (MANE Select); coding-DNA position 8323, C replaced by T.
Protein change: p.Arg2775Cys; replaces arginine 2775 with cysteine.
Molecular consequence: missense variant.
Genome position (GRCh38, 1-based): chr17:18,155,208, C>T. VCF-style: chr17-18155208-C-T. GRCh37 (hg19) VCF-style: chr17-18058522-C-T.
Other names: short protein forms R2775C.
Identifiers: ClinVar variation 3005500 (VCV003005500.3), dbSNP rs770282862, ClinGen allele CA8425119.
Genomic context (GRCh38, chr17:18,155,208, plus strand): 5'-GAAAGCGTGAAGCGGGCCGTGGTCAGCACTGCACGAGACACCTGGGAGGTCTACTTCTCC[C>T]GCATCTTCCCCGCCACGGTGCGAGCCCCTCACTTGCCCCCTACCTGTCCAGAGGATTCAG-3'
Protein context (NP_057323.3, residues 2765-2785): ARDTWEVYFS[Arg2775Cys]IFPATGSVGT